The following is an entry in ClinVar:

ClinVar aggregate classification (germline): Uncertain significance (1 of 4 stars; one submission).

Allele frequency attached by ClinVar (database versions not stated): gnomAD 0.00001; gnomAD exomes 0.00002 and 0.00004; TOPMed 0.00002; ExAC 0.00005; ESP Exome Variant Server 0.00016.
gnomAD v4.1: 31 of 1,600,472 alleles (0.0019%); highest among the groups gnomAD compares: Admixed American, 0.0069%; no homozygotes.

Submission:

Labcorp Genetics (formerly Invitae), Labcorp
Classification: Uncertain significance. Last evaluated: 2025-01-21. Review status: criteria provided, single submitter. Criteria: Invitae Variant Classification Sherloc (09022015). Collection method: clinical testing. Allele origin: germline.
Comment: This sequence change replaces arginine, which is basic and polar, with histidine, which is basic and polar, at codon 351 of the FSCN2 protein (p.Arg351His). This variant is present in population databases (rs374338872, gnomAD 0.02%). This variant has not been reported in the literature in individuals affected with FSCN2-related conditions. ClinVar contains an entry for this variant (Variation ID: 1045906). An algorithm developed to predict the effect of missense changes on protein structure and function (PolyPhen-2) suggests that this variant is likely to be disruptive. In summary, the available evidence is currently insufficient to determine the role of this variant in disease. Therefore, it has been classified as a Variant of Uncertain Significance.

NM_012418.4(FSCN2):c.1052G>A (p.Arg351His)

Gene: FSCN2 (fascin actin-bundling protein 2, retinal; plus strand). Cytogenetic location: 17q25.3.
Variant type: single nucleotide variant.
Coding change: c.1052G>A on transcript NM_012418.4 (MANE Select); coding-DNA position 1052, G replaced by A.
Protein change: p.Arg351His; replaces arginine 351 with histidine.
Molecular consequence: missense variant.
Genome position (GRCh38, 1-based): chr17:81,536,214, G>A. VCF-style: chr17-81536214-G-A. GRCh37 (hg19) VCF-style: chr17-79503240-G-A.
Other names: c.1052G>A, p.Arg351His (NM_001077182.3); short protein forms R351H.
Identifiers: ClinVar variation 1045906 (VCV001045906.8), dbSNP rs374338872, ClinGen allele CA8836939.